The following is an entry in ClinVar:

ClinVar aggregate classification (germline): Uncertain significance. Review status: criteria provided, multiple submitters, no conflicts (2 of 4 stars). 3 submissions from 3 submitters: Uncertain significance (3). Last evaluated 2023-05-22.

Conditions:
Inborn genetic diseases. Identifiers: MedGen C0950123, MeSH D030342.
Autosomal recessive omodysplasia (OMOD1). Also called: MICROMELIC DYSPLASIA, CONGENITAL, WITH DISLOCATION OF RADIUS. Identifiers: Orphanet 2733, Orphanet 93329, MedGen C1850318, MONDO:0009779, OMIM 258315.

Allele frequency attached by ClinVar (database versions not stated): TOPMed below 0.00001; gnomAD 0.00001; gnomAD exomes 0.00001; ExAC 0.00002.
gnomAD v4.1: 32 of 1,613,762 alleles (0.002%); highest among the groups gnomAD compares: Non-Finnish European, 0.0027%; no homozygotes.

Submissions (3):

Labcorp Genetics (formerly Invitae), Labcorp
Classification: Uncertain significance. Last evaluated: 2023-05-22. Review status: criteria provided, single submitter. Criteria: Invitae Variant Classification Sherloc (09022015). Collection method: clinical testing. Allele origin: germline.
Comment: In summary, the available evidence is currently insufficient to determine the role of this variant in disease. Therefore, it has been classified as a Variant of Uncertain Significance. An algorithm developed to predict the effect of missense changes on protein structure and function (PolyPhen-2) suggests that this variant is likely to be disruptive. ClinVar contains an entry for this variant (Variation ID: 312538). This variant has not been reported in the literature in individuals affected with GPC6-related conditions. This variant is present in population databases (rs748464893, gnomAD 0.003%). This sequence change replaces leucine, which is neutral and non-polar, with isoleucine, which is neutral and non-polar, at codon 17 of the GPC6 protein (p.Leu17Ile).

Ambry Genetics
Classification: Uncertain significance for Inborn genetic diseases. Last evaluated: 2022-08-02. Review status: criteria provided, single submitter. Criteria: Ambry Variant Classification Scheme 2023. Collection method: clinical testing. Allele origin: germline.

Illumina Laboratory Services, Illumina
Classification: Uncertain significance for Autosomal recessive omodysplasia. Last evaluated: 2018-01-13. Review status: criteria provided, single submitter. Criteria: ICSL Variant Classification Criteria 13 December 2019. Collection method: clinical testing. Allele origin: germline.

NM_005708.5(GPC6):c.49C>A (p.Leu17Ile)

Gene: GPC6 (glypican 6; plus strand). Cytogenetic location: 13q31.3.
Variant type: single nucleotide variant.
Coding change: c.49C>A on transcript NM_005708.5 (MANE Select); coding-DNA position 49, C replaced by A.
Protein change: p.Leu17Ile; replaces leucine 17 with isoleucine.
Molecular consequence: missense variant.
Genome position (GRCh38, 1-based): chr13:93,227,505, C>A. VCF-style: chr13-93227505-C-A. GRCh37 (hg19) VCF-style: chr13-93879758-C-A.
Other names: short protein forms L17I.
Identifiers: ClinVar variation 312538 (VCV000312538.11), dbSNP rs748464893, ClinGen allele CA7016751.